The following is an entry in ClinVar:

ClinVar aggregate classification (germline): Pathogenic (1 of 4 stars; one submission).

Conditions:
Ataxia-telangiectasia syndrome (AT). Also called: Ataxia-telangiectasia, complementation group E; ATAXIA-TELANGIECTASIA, COMPLEMENTATION GROUP A; ATAXIA-TELANGIECTASIA, FRESNO VARIANT; Ataxia-telangiectasia; LOUIS-BAR SYNDROME; Ataxia-telangiectasia, complementation group D. Identifiers: Orphanet 100, MedGen C0004135, MONDO:0008840, OMIM 208900.

Submission:

Labcorp Genetics (formerly Invitae), Labcorp
Classification: Pathogenic for Ataxia-telangiectasia syndrome. Last evaluated: 2022-10-31. Review status: criteria provided, single submitter. Criteria: Invitae Variant Classification Sherloc (09022015). Collection method: clinical testing. Allele origin: germline.
Comment: For these reasons, this variant has been classified as Pathogenic. This variant has not been reported in the literature in individuals affected with ATM-related conditions. This variant is not present in population databases (gnomAD no frequency). This sequence change creates a premature translational stop signal (p.Leu822Phefs*10) in the ATM gene. It is expected to result in an absent or disrupted protein product. Loss-of-function variants in ATM are known to be pathogenic (PMID: 23807571, 25614872).

Literature cited by the submitters: PubMed 23807571; PubMed 25614872.

NM_000051.4(ATM):c.2465dup (p.Leu822fs)

Gene: ATM (ATM serine/threonine kinase; plus strand). Cytogenetic location: 11q22.3.
Variant type: Duplication.
Coding change: c.2465dup on transcript NM_000051.4 (MANE Select); coding-DNA position 2465, one base duplicated (T; older notation c.2465dupT).
Protein change: p.Leu822fs; shifts the reading frame from leucine 822.
Molecular consequence: frameshift variant.
Genome position (GRCh38, 1-based): chr11:108,259,074, T duplicated; the last of 3 consecutive T bases (chr11:108,259,072-108,259,074); duplicating any one gives the same sequence. VCF-style (leftmost placement, unchanged base first): chr11-108259071-G-GT. GRCh37 (hg19) VCF-style: chr11-108129798-G-GT.
Other names: c.2465dup, p.Leu822fs (NM_001351834.2); short protein forms L822fs.
Identifiers: ClinVar variation 2811098 (VCV002811098.3), dbSNP rs2135422402, ClinGen allele CA2739270953.